The following is an entry in ClinVar:

ClinVar aggregate classification (germline): Uncertain significance (1 of 4 stars; one submission).

Conditions:
Emery-Dreifuss muscular dystrophy 5, autosomal dominant (EDMD5). Also called: EMERY-DREIFUSS MUSCULAR DYSTROPHY 5. Identifiers: Orphanet 261, MedGen C2751805, MONDO:0013072, OMIM 612999.

Submission:

Labcorp Genetics (formerly Invitae), Labcorp
Classification: Uncertain significance for Emery-Dreifuss muscular dystrophy 5, autosomal dominant. Last evaluated: 2022-05-17. Review status: criteria provided, single submitter. Criteria: Invitae Variant Classification Sherloc (09022015). Collection method: clinical testing. Allele origin: germline.
Comment: This variant, c.10809_10811del, results in the deletion of 1 amino acid(s) of the SYNE2 protein (p.Thr3604del), but otherwise preserves the integrity of the reading frame. This variant is present in population databases (no rsID available, gnomAD 0.003%). This variant has not been reported in the literature in individuals affected with SYNE2-related conditions. Experimental studies and prediction algorithms are not available or were not evaluated, and the functional significance of this variant is currently unknown. In summary, the available evidence is currently insufficient to determine the role of this variant in disease. Therefore, it has been classified as a Variant of Uncertain Significance.

NM_182914.3(SYNE2):c.10809_10811del (p.Thr3604del)

Gene: SYNE2 (spectrin repeat containing nuclear envelope protein 2; plus strand). Cytogenetic location: 14q23.2.
Variant type: Deletion.
Coding change: c.10809_10811del on transcript NM_182914.3 (MANE Select); coding-DNA positions 10809 to 10811, 3 bases deleted (AAC; older notation c.10809_10811delAAC).
Protein change: p.Thr3604del; deletes threonine 3604.
Molecular consequence: inframe deletion.
Genome position (GRCh38, 1-based): chr14:64,074,079-64,074,081, AAC deleted; deleting any 3 consecutive bases within chr14:64,074,077-64,074,081 gives the same sequence; the c. name uses the placement nearest the transcript's 3' end. VCF-style (leftmost placement, unchanged base first): chr14-64074076-CACA-C. GRCh37 (hg19) VCF-style: chr14-64540794-CACA-C.
Other names: c.10809_10811del, p.Thr3604del (NM_015180.6); short protein forms T3604del.
Identifiers: ClinVar variation 2158895 (VCV002158895.4), dbSNP rs1334175790, ClinGen allele CA614735277.